The following is an entry in ClinVar:

ClinVar aggregate classification (germline): Uncertain significance (1 of 4 stars; one submission).

Conditions:
Dilated cardiomyopathy 1G (CMD1G). Identifiers: Orphanet 154, MedGen C1858763, MONDO:0011400, OMIM 604145.
Autosomal recessive limb-girdle muscular dystrophy type 2J (LGMDR10). Also called: MUSCULAR DYSTROPHY, LIMB-GIRDLE, AUTOSOMAL RECESSIVE 10; Limb-girdle muscular dystrophy, type 2J. Identifiers: Orphanet 140922, MedGen C1837342, MONDO:0012127, OMIM 608807.

Allele frequency attached by ClinVar (database versions not stated): gnomAD exomes below 0.00001.
gnomAD v4.1: 2 of 1,613,998 alleles (0.00012%); highest among the groups gnomAD compares: Non-Finnish European, 0.00017%; no homozygotes.

Submission:

Labcorp Genetics (formerly Invitae), Labcorp
Classification: Uncertain significance for Dilated cardiomyopathy 1G; Autosomal recessive limb-girdle muscular dystrophy type 2J. Last evaluated: 2021-08-07. Review status: criteria provided, single submitter. Criteria: Invitae Variant Classification Sherloc (09022015). Collection method: clinical testing. Allele origin: germline.
Comment: This variant is located in the M band of TTN (PMID: 25589632). Variants in this region may be relevant for neuromuscular disorders, but have not been definitively shown to cause cardiomyopathy (PMID: 23975875). In summary, the available evidence is currently insufficient to determine the role of this variant in disease. Therefore, it has been classified as a Variant of Uncertain Significance. Algorithms developed to predict the effect of sequence changes on RNA splicing suggest that this variant may create or strengthen a splice site. Experimental studies and prediction algorithms are not available or were not evaluated, and the functional significance of this variant is currently unknown. This variant has not been reported in the literature in individuals affected with TTN-related conditions. This variant is not present in population databases (ExAC no frequency). This sequence change replaces histidine with glutamine at codon 35175 of the TTN protein (p.His35175Gln). There is a small physicochemical difference between histidine and glutamine.

Literature cited by the submitters: PubMed 25589632; PubMed 23975875.

NM_001267550.2(TTN):c.105525C>G (p.His35175Gln)

Genes: TTN-AS1 (TTN antisense RNA 1; plus strand), TTN (titin; minus strand), LOC129935184 (ATAC-STARR-seq lymphoblastoid active region 16809; plus strand). Cytogenetic location: 2q31.2.
Variant type: single nucleotide variant.
Coding change: c.105525C>G on transcript NM_001267550.2 (MANE Select); coding-DNA position 105525, C replaced by G.
Protein change: p.His35175Gln; replaces histidine 35175 with glutamine.
Molecular consequence: missense variant.
Genome position (GRCh38, 1-based): chr2:178,531,090, G>C on the plus strand (C>G on the coding strand, the complement: TTN is on the minus strand). VCF-style: chr2-178531090-G-C. GRCh37 (hg19) VCF-style: chr2-179395817-G-C.
Other names: c.100602C>G, p.His33534Gln (NM_001256850.1); c.78330C>G, p.His26110Gln (NM_003319.4); c.97821C>G, p.His32607Gln (NM_133378.4); c.78705C>G, p.His26235Gln (NM_133432.3); c.78906C>G, p.His26302Gln (NM_133437.4); short protein forms H26302Q, H26110Q, H26235Q, H32607Q, H33534Q, H35175Q.
Identifiers: ClinVar variation 1385268 (VCV001385268.6), dbSNP rs1215297501, ClinGen allele CA349408598.
Genomic context (GRCh38, chr2:178,531,090, plus strand): 5'-ATCGGAAGCCTGGACTGAAGAGATCTCAAAGGTTGATTTGTACTTTGTGGTGGTCACTTG[G>C]TGGCGGGCAGAAGTACTTAGCACTTGTCCTTTACGCAGCCAGGTCACAGTTGGTACCGGC-3'
Protein context (NP_001254479.2, residues 35165-35185): KGQVLSTSAR[His35175Gln]QVTTTKYKST